The following is an entry in ClinVar:

ClinVar aggregate classification (germline): Uncertain significance (1 of 4 stars; one submission).

Submission:

GeneDx
Classification: Uncertain significance. Last evaluated: 2024-01-16. Review status: criteria provided, single submitter. Criteria: GeneDx Variant Classification Process June 2021. Collection method: clinical testing. Allele origin: germline. Affected: yes.
Comment: Frameshift variant predicted to result in abnormal protein length as the last 16 amino acids are replaced with 4 different amino acids; Has not been previously published as pathogenic or benign to our knowledge; Not observed at significant frequency in large population cohorts (gnomAD)

NM_020937.4(FANCM):c.6097_6098del (p.Gln2033fs)

Gene: FANCM (FA complementation group M; plus strand). Cytogenetic location: 14q21.2.
Variant type: Deletion.
Coding change: c.6097_6098del on transcript NM_020937.4 (MANE Select); coding-DNA positions 6097 to 6098, 2 bases deleted (CA; older notation c.6097_6098delCA).
Protein change: p.Gln2033fs; shifts the reading frame from glutamine 2033.
Molecular consequence: frameshift variant.
Genome position (GRCh38, 1-based): chr14:45,199,958-45,199,959, CA deleted; deleting any 2 consecutive bases within chr14:45,199,957-45,199,959 gives the same sequence; the c. name uses the placement nearest the transcript's 3' end. VCF-style (leftmost placement, unchanged base first): chr14-45199956-TAC-T. GRCh37 (hg19) VCF-style: chr14-45669159-TAC-T.
Other names: c.6019_6020del, p.Gln2007fs (NM_001308133.2); c.6097_6098delCA, p.Gln2033Asnfs (NM_020937.2); short protein forms Q2007fs, Q2033fs.
Identifiers: ClinVar variation 3367714 (VCV003367714.1).
Genomic context (GRCh38, chr14:45,199,956, plus strand): 5'-CACAAGTAACTCATCAGAAGGCTGAGGAGATCTATAGATATATTCACTATGTATTTGACA[TAC>T]AAATGTTACCAAATGATCTTAACCAAGATAGACTGAAATCTGATATATAATCAAGCTGCT-3'